The following is an entry in ClinVar:

NM_001048166.1(STIL):c.3113T>G (p.Ile1038Ser)

Gene: STIL (STIL centriolar assembly protein; minus strand). Cytogenetic location: 1p33.
Variant type: single nucleotide variant.
Coding change: c.3113T>G on transcript NM_001048166.1 (MANE Select); coding-DNA position 3113, T replaced by G.
Protein change: p.Ile1038Ser; replaces isoleucine 1038 with serine.
Molecular consequence: missense variant.
Genome position (GRCh38, 1-based): chr1:47,251,890, A>C on the plus strand (T>G on the coding strand, the complement: STIL is on the minus strand). VCF-style: chr1-47251890-A-C. GRCh37 (hg19) VCF-style: chr1-47717562-A-C.
Other names: c.3110T>G, p.Ile1037Ser (NM_001282936.1, NM_003035.2); c.3059T>G, p.Ile1020Ser (NM_001282937.1); c.2972T>G, p.Ile991Ser (NM_001282938.1, NM_001377417.1); c.2918T>G, p.Ile973Ser (NM_001282939.1); short protein forms I1038S, I1037S, I1020S, I973S, I991S.
Identifiers: ClinVar variation 1477828 (VCV001477828.7), dbSNP rs758472003, ClinGen allele CA842017.

ClinVar aggregate classification (germline): Uncertain significance. Review status: criteria provided, multiple submitters, no conflicts (2 of 4 stars). 2 submissions from 2 submitters: Uncertain significance (2). Last evaluated 2025-10-18.

Conditions:
Inborn genetic diseases. Identifiers: MedGen C0950123, MeSH D030342.

Allele frequency attached by ClinVar (database versions not stated): ExAC 0.00001; gnomAD 0.00001; gnomAD exomes 0.00001; TOPMed 0.00002.
gnomAD v4.1: 6 of 1,610,780 alleles (0.00037%); highest among the groups gnomAD compares: Non-Finnish European, 0.00051%; no homozygotes.

Submissions (2):

Ambry Genetics
Classification: Uncertain significance for Inborn genetic diseases. Last evaluated: 2025-10-18. Review status: criteria provided, single submitter. Criteria: Ambry Variant Classification Scheme 2023. Collection method: clinical testing. Allele origin: germline.

Labcorp Genetics (formerly Invitae), Labcorp
Classification: Uncertain significance. Last evaluated: 2022-06-05. Review status: criteria provided, single submitter. Criteria: Invitae Variant Classification Sherloc (09022015). Collection method: clinical testing. Allele origin: germline.
Comment: In summary, the available evidence is currently insufficient to determine the role of this variant in disease. Therefore, it has been classified as a Variant of Uncertain Significance. Algorithms developed to predict the effect of missense changes on protein structure and function (SIFT, PolyPhen-2, Align-GVGD) all suggest that this variant is likely to be disruptive. ClinVar contains an entry for this variant (Variation ID: 1477828). This variant has not been reported in the literature in individuals affected with STIL-related conditions. This variant is present in population databases (rs758472003, gnomAD 0.002%). This sequence change replaces isoleucine, which is neutral and non-polar, with serine, which is neutral and polar, at codon 1037 of the STIL protein (p.Ile1037Ser).